The following is an entry in ClinVar:

ClinVar aggregate classification (germline): Likely benign (0 of 4 stars; one submission).

Conditions:
DNAH14-related disorder. Also called: DNAH14-related condition.

Submission:

PreventionGenetics, part of Exact Sciences
Classification: Likely benign for DNAH14-related condition. Last evaluated: 2023-05-02. Review status: no assertion criteria provided. Collection method: clinical testing. Allele origin: germline.
Comment: This variant is classified as likely benign based on ACMG/AMP sequence variant interpretation guidelines (Richards et al. 2015 PMID: 25741868, with internal and published modifications).

NM_001367479.1(DNAH14):c.4255-50TA[7]

Gene: DNAH14 (dynein axonemal heavy chain 14; plus strand). Cytogenetic location: 1q42.12.
Variant type: Microsatellite.
Coding change: c.4255-50TA[7] on transcript NM_001367479.1 (MANE Select); seven copies in a row of the 2-base unit TA starting at c.4255-50; the reference has six copies in a row; one copy, 2 bases duplicated.
Molecular consequence: intron variant.
Genome position (GRCh38, 1-based): chr1:225,140,728-225,140,729, TA duplicated; duplicating any 2 consecutive bases within chr1:225,140,718-225,140,729 gives the same sequence; the position shown is the placement nearest the transcript's 3' end. VCF-style (leftmost placement, unchanged base first): chr1-225140717-T-TTA. GRCh37 (hg19) VCF-style: chr1-225328419-T-TTA.
Other names: NM_001373.1:c.4167-3_4167-2dupTA.
Identifiers: ClinVar variation 3041663 (VCV003041663.2), dbSNP rs201300824, ClinGen allele CA1415984.
Genomic context (GRCh38, chr1:225,140,717, plus strand): 5'-ACACACCACATAAACTTTATGAAAACATCCATTTTAATTTGAATAAAATTTATGCTTCAA[T>TTA]TATATATATATAGAGAGAGATATATATATAACATTATCTTACTTTTTCAGAGCCAGATCA-3'